The following is an entry in ClinVar:

ClinVar aggregate classification (germline): Uncertain significance. Review status: criteria provided, multiple submitters, no conflicts (2 of 4 stars). 2 submissions from 2 submitters: Uncertain significance (2). Last evaluated 2024-07-09.

Allele frequency attached by ClinVar (database versions not stated): gnomAD 0.00001; TOPMed 0.00001; ExAC 0.00002; gnomAD exomes 0.00004.
gnomAD v4.1: 54 of 1,614,074 alleles (0.0033%); highest among the groups gnomAD compares: Non-Finnish European, 0.0044%; no homozygotes.

Submissions (2):

Blueprint Genetics
Classification: Uncertain significance. Last evaluated: 2024-07-09. Review status: criteria provided, single submitter. Criteria: ACMG Guidelines, 2015. Collection method: clinical testing. Allele origin: germline.

Labcorp Genetics (formerly Invitae), Labcorp
Classification: Uncertain significance. Last evaluated: 2022-03-11. Review status: criteria provided, single submitter. Criteria: Invitae Variant Classification Sherloc (09022015). Collection method: clinical testing. Allele origin: germline.
Comment: This sequence change replaces tryptophan, which is neutral and slightly polar, with cysteine, which is neutral and slightly polar, at codon 862 of the TRPM1 protein (p.Trp862Cys). In summary, the available evidence is currently insufficient to determine the role of this variant in disease. Therefore, it has been classified as a Variant of Uncertain Significance. Algorithms developed to predict the effect of missense changes on protein structure and function (SIFT, PolyPhen-2, Align-GVGD) all suggest that this variant is likely to be disruptive. This variant has not been reported in the literature in individuals affected with TRPM1-related conditions. This variant is present in population databases (rs760876026, gnomAD 0.004%).

NM_001252024.2(TRPM1):c.2652G>T (p.Trp884Cys)

Genes: TRPM1 (transient receptor potential cation channel subfamily M member 1; minus strand), TRPM1-AS1 (TRPM1 antisense RNA 1; plus strand). Cytogenetic location: 15q13.3.
Variant type: single nucleotide variant.
Coding change: c.2652G>T on transcript NM_001252024.2 (MANE Select); coding-DNA position 2652, G replaced by T.
Protein change: p.Trp884Cys; replaces tryptophan 884 with cysteine.
Molecular consequence: missense variant.
Genome position (GRCh38, 1-based): chr15:31,035,594, C>A on the plus strand (G>T on the coding strand, the complement: TRPM1 is on the minus strand). VCF-style: chr15-31035594-C-A. GRCh37 (hg19) VCF-style: chr15-31327797-C-A.
Other names: c.2703G>T, p.Trp901Cys (NM_001252020.2); c.2586G>T, p.Trp862Cys (NM_002420.6); short protein forms W862C, W901C, W884C.
Identifiers: ClinVar variation 1900150 (VCV001900150.6), dbSNP rs760876026, ClinGen allele CA7452116.